The following is an entry in ClinVar:

ClinVar aggregate classification (germline): Uncertain significance (1 of 4 stars; one submission).

Conditions:
Inborn genetic diseases. Identifiers: MedGen C0950123, MeSH D030342.

Submission:

Ambry Genetics
Classification: Uncertain significance for Inborn genetic diseases. Last evaluated: 2025-04-06. Review status: criteria provided, single submitter. Criteria: Ambry Variant Classification Scheme 2023. Collection method: clinical testing. Allele origin: germline.
Comment: The p.P192R variant (also known as c.575C>G), located in coding exon 4 of the SBDS gene, results from a C to G substitution at nucleotide position 575. The proline at codon 192 is replaced by arginine, an amino acid with dissimilar properties. This amino acid position is conserved. In addition, this alteration is predicted to be deleterious by in silico analysis. Based on the available evidence, the clinical significance of this variant remains unclear.

NM_016038.4(SBDS):c.575C>G (p.Pro192Arg)

Gene: SBDS (SBDS ribosome maturation factor; minus strand). Cytogenetic location: 7q11.21.
Variant type: single nucleotide variant.
Coding change: c.575C>G on transcript NM_016038.4 (MANE Select); coding-DNA position 575, C replaced by G.
Protein change: p.Pro192Arg; replaces proline 192 with arginine.
Molecular consequence: missense variant.
Genome position (GRCh38, 1-based): chr7:66,991,186, G>C on the plus strand (C>G on the coding strand, the complement: SBDS is on the minus strand). VCF-style: chr7-66991186-G-C. GRCh37 (hg19) VCF-style: chr7-66456173-G-C.
Other names: short protein forms P192R.
Identifiers: ClinVar variation 3950309 (VCV003950309.1).
Genomic context (GRCh38, chr7:66,991,186, plus strand): 5'-TTGACTCTTACGATTTCTAACTGTTGGCCATAATCTTCACTTTCTATGACCTTGATCAGT[G>C]GCTTGAGCTTTTCTTTCAGCTTCTTGCCTTCATTGACTGGAAGGATGAACCGAAGCCTCA-3'
Protein context (NP_057122.2, residues 182-202): EGKKLKEKLK[Pro192Arg]LIKVIESEDY